The following is an entry in ClinVar:

ClinVar aggregate classification (germline): Benign. Review status: criteria provided, multiple submitters, no conflicts (2 of 4 stars). 4 submissions from 4 submitters: Benign (4). Last evaluated 2025-09-06.

Conditions:
Frank-Ter Haar syndrome. Also called: TER HAAR SYNDROME; MELNICK-NEEDLES SYNDROME, AUTOSOMAL RECESSIVE; Borrone di Rocco Crovato syndrome; BORRONE DERMATOCARDIOSKELETAL SYNDROME. Identifiers: Orphanet 1266, Orphanet 137834, MedGen C1855305, MONDO:0009579, OMIM 249420.

Allele frequency attached by ClinVar (database versions not stated): TOPMed 0.01326; 1000 Genomes Project 0.01118; 1000 Genomes Project 30x 0.01234; gnomAD 0.01268.
gnomAD v4.1: 3,540 of 1,613,504 alleles (0.22%); highest among the groups gnomAD compares: African/African-American, 4.2%; 82 homozygotes.

Submissions (4):

Labcorp Genetics (formerly Invitae), Labcorp
Classification: Benign. Last evaluated: 2025-09-06. Review status: criteria provided, single submitter. Criteria: Invitae Variant Classification Sherloc (09022015). Collection method: clinical testing. Allele origin: germline.

GeneDx
Classification: Benign. Last evaluated: 2020-06-10. Review status: criteria provided, single submitter. Criteria: GeneDx Variant Classification Process June 2021. Collection method: clinical testing. Allele origin: germline. Affected: yes.

Illumina Laboratory Services, Illumina
Classification: Benign for Frank-Ter Haar syndrome. Last evaluated: 2018-01-13. Review status: criteria provided, single submitter. Criteria: ICSL Variant Classification Criteria 13 December 2019. Collection method: clinical testing. Allele origin: germline.
Comment: This variant was observed in the ICSL laboratory as part of a predisposition screen in an ostensibly healthy population. It had not been previously curated by ICSL or reported in the Human Gene Mutation Database (HGMD: prior to June 1st, 2018), and was therefore a candidate for classification through an automated scoring system. Utilizing variant allele frequency, disease prevalence and penetrance estimates, and inheritance mode, an automated score was calculated to assess if this variant is too frequent to cause the disease. Based on the score and internal cut-off values, a variant classified as benign is not then subjected to further curation. The score for this variant resulted in a classification of benign for this disease.

Eurofins Ntd Llc (ga)
Classification: Benign. Last evaluated: 2015-02-26. Review status: criteria provided, single submitter. Criteria: EGL Classification Definitions 2015. Collection method: clinical testing. Allele origin: germline. Observed: 1 variant allele, 1 hemizygote.

NM_001017995.3(SH3PXD2B):c.1063-8C>T

Gene: SH3PXD2B (SH3 and PX domains 2B; minus strand). Cytogenetic location: 5q35.1.
Variant type: single nucleotide variant.
Coding change: c.1063-8C>T on transcript NM_001017995.3 (MANE Select); 8 bases into the intron before coding-DNA position 1063, C replaced by T.
Molecular consequence: intron variant.
Genome position (GRCh38, 1-based): chr5:172,346,269, G>A on the plus strand (C>T on the coding strand, the complement: SH3PXD2B is on the minus strand). VCF-style: chr5-172346269-G-A. GRCh37 (hg19) VCF-style: chr5-171773273-G-A.
Other names: c.1063-8C>T (NM_001308175.2).
Identifiers: ClinVar variation 194011 (VCV000194011.19), dbSNP rs76931006, ClinGen allele CA200913.